The following is an entry in ClinVar:

NM_001395413.1(POR):c.1697G>A (p.Cys566Tyr)

Gene: POR (cytochrome p450 oxidoreductase; plus strand). Cytogenetic location: 7q11.23.
Variant type: single nucleotide variant.
Coding change: c.1697G>A on transcript NM_001395413.1 (MANE Select); coding-DNA position 1697, G replaced by A.
Protein change: p.Cys566Tyr; replaces cysteine 566 with tyrosine.
Molecular consequence: missense variant.
Genome position (GRCh38, 1-based): chr7:75,985,959, G>A. VCF-style: chr7-75985959-G-A. GRCh37 (hg19) VCF-style: chr7-75615277-G-A.
Other names: C569Y; c.1697G>A, p.Cys566Tyr (NM_001367562.3, NM_001382657.2, NM_001382658.3 and 1 more transcripts); c.1751G>A, p.Cys584Tyr (NM_001382655.3); c.1547G>A, p.Cys516Tyr (NM_001382662.3); c.1706G>A (NM_000941.2); short protein forms C516Y, C584Y.
Identifiers: ClinVar variation 16903 (VCV000016903.6), dbSNP rs28931607, ClinGen allele CA257655.
Genomic context (GRCh38, chr7:75,985,959, plus strand): 5'-CTCACCCCGGCCCCTGCCACGCAGGCAAGGAGGTGGGGGAGACGCTGCTGTACTACGGCT[G>A]CCGCCGCTCGGATGAGGACTACCTGTACCGGGAGGAGCTGGCGCAGTTCCACAGGGACGG-3'
Protein context (NP_001382342.1, residues 556-576): EVGETLLYYG[Cys566Tyr]RRSDEDYLYR

ClinVar aggregate classification (germline): Likely pathogenic. Review status: criteria provided, multiple submitters, no conflicts (2 of 4 stars). 3 submissions from 3 submitters: Likely pathogenic (2). 1 of the submissions does not count toward it. Last evaluated 2025-10-21.

Conditions:
Differences in sex development.
Congenital adrenal hyperplasia. Identifiers: Orphanet 418, MedGen C0001627, MONDO:0018479, HP:0008258.
Congenital adrenal hyperplasia due to cytochrome P450 oxidoreductase deficiency. Also called: DISORDERED STEROIDOGENESIS DUE TO POR DEFICIENCY. Identifiers: Orphanet 95699, MedGen C1860042, MONDO:0013310, OMIM 613571.

Allele frequency attached by ClinVar (database versions not stated): gnomAD exomes 0.00001; TOPMed 0.00001; gnomAD 0.00002.
gnomAD v4.1: 10 of 1,587,902 alleles (0.00063%); highest among the groups gnomAD compares: African/African-American, 0.0027%; no homozygotes.

Submissions (3):

NHS Central & South Genomic Laboratory Hub
Classification: Likely pathogenic for Differences in sex development. Last evaluated: 2025-10-21. Review status: criteria provided, single submitter. Criteria: ACMG Guidelines, 2015. Collection method: clinical testing. Allele origin: germline. Affected: yes.

Women's Health and Genetics/Laboratory Corporation of America, LabCorp
Classification: Likely pathogenic for Congenital adrenal hyperplasia. Last evaluated: 2023-03-24. Review status: criteria provided, single submitter. Criteria: LabCorp Variant Classification Summary - May 2015. Collection method: clinical testing. Allele origin: germline.
Comment: Variant summary: POR c.1697G>A/p.Cys566Tyr (legacy name: c.1706G>A) results in a non-conservative amino acid change located in the Oxidoreductase FAD/NAD(P)-binding domain (IPR001433) of the encoded protein sequence. Five of five in-silico tools predict a damaging effect of the variant on protein function. The variant allele was found at a frequency of 5e-06 in 201454 control chromosomes (gnomAD and publication data). c.1697G>A has been reported in the literature in one individual with amenorrhea and disordered steroidogenesis and two individuals affected with P450 Oxidoreductase Deficiency (Fluck_2004, Krine_2012, Reisch_2013). These data indicate that the variant may be associated with disease. Several functional studies report this variant disrupts NADPH binding and also has severe effects in many P450 based assays (Fluck_2004, Miller_2004, Huang_2005). No clinical diagnostic laboratories have submitted clinical-significance assessments for this variant to ClinVar after 2014. Based on the evidence outlined above, the variant was classified as likely pathogenic.

OMIM
Classification: Pathogenic for DISORDERED STEROIDOGENESIS DUE TO CYTOCHROME P450 OXIDOREDUCTASE DEFICIENCY. Last evaluated: 2004-06-26. Review status: no assertion criteria provided. Collection method: literature only. Allele origin: germline. Not counted in ClinVar's aggregate classification.

Literature cited by the submitters: PubMed 18551037 (cited by Women's Health and Genetics/Laboratory Corporation of America, LabCorp); PubMed 27068427 (cited by Women's Health and Genetics/Laboratory Corporation of America, LabCorp); PubMed 17635179 (cited by Women's Health and Genetics/Laboratory Corporation of America, LabCorp); PubMed 14758361 (cited by Women's Health and Genetics/Laboratory Corporation of America, LabCorp and OMIM); PubMed 15793702 (cited by Women's Health and Genetics/Laboratory Corporation of America, LabCorp); PubMed 22162478 (cited by Women's Health and Genetics/Laboratory Corporation of America, LabCorp); PubMed 18930113 (cited by Women's Health and Genetics/Laboratory Corporation of America, LabCorp); PubMed 15350602 (cited by Women's Health and Genetics/Laboratory Corporation of America, LabCorp); PubMed 23365120 (cited by Women's Health and Genetics/Laboratory Corporation of America, LabCorp); PubMed 19837910 (cited by Women's Health and Genetics/Laboratory Corporation of America, LabCorp); PubMed 22462747 (cited by Women's Health and Genetics/Laboratory Corporation of America, LabCorp); PubMed 15220035 (cited by OMIM).